The following is an entry in ClinVar:

NM_001159699.2(FHL1):c.817G>A (p.Val273Met)

Gene: FHL1 (four and a half LIM domains 1; plus strand). Cytogenetic location: Xq26.3.
Variant type: single nucleotide variant.
Coding change: c.817G>A on transcript NM_001159699.2 (MANE Select); coding-DNA position 817, G replaced by A.
Protein change: p.Val273Met; replaces valine 273 with methionine.
Molecular consequence: missense variant. On other transcripts: synonymous variant (6), non-coding transcript variant (1).
Genome position (GRCh38, 1-based): chrX:136,209,951, G>A. VCF-style: chrX-136209951-G-A. GRCh37 (hg19) VCF-style: chrX-135292110-G-A.
Other names: c.769G>A, p.Val257Met (NM_001159700.2, NM_001159704.1, NM_001167819.1 and 4 more transcripts); c.856G>A, p.Val286Met (NM_001159701.2); c.969G>A, p.Pro323= (NM_001159702.3, NM_001369326.1, NM_001369327.2 and 1 more transcripts); c.582G>A, p.Pro194= (NM_001159703.2); c.630G>A, p.Pro210= (NM_001330659.2); c.817G>A (NM_001159699.1); short protein forms V257M, V273M, V286M.
Identifiers: ClinVar variation 569001 (VCV000569001.16), dbSNP rs190006104, ClinGen allele CA10525129.

ClinVar aggregate classification (germline): Uncertain significance. Review status: criteria provided, multiple submitters, no conflicts (2 of 4 stars). 4 submissions from 4 submitters: Uncertain significance (3). 1 of the submissions does not count toward it. Last evaluated 2026-01-17.

Conditions:
FHL1-related disorder. Also called: FHL1-related disorders; FHL1-related condition.
Cardiovascular phenotype. Identifiers: MedGen CN230736.
X-linked myopathy with postural muscle atrophy. Also called: FHL1-Related Emery-Dreifuss Muscular Dystrophy, X-Linked. Identifiers: Orphanet 178461, MedGen C2678055, MONDO:0010401, OMIM 300696.

Allele frequency attached by ClinVar (database versions not stated): TOPMed 0.00001; gnomAD 0.00005; 1000 Genomes Project 0.00026; 1000 Genomes Project 30x 0.00042.
gnomAD v4.1: 36 of 1,208,828 alleles (0.003%); highest among the groups gnomAD compares: Non-Finnish European, 0.0038%; no homozygotes.

Submissions (4):

Labcorp Genetics (formerly Invitae), Labcorp
Classification: Uncertain significance for X-linked myopathy with postural muscle atrophy. Last evaluated: 2026-01-17. Review status: criteria provided, single submitter. Criteria: Invitae Variant Classification Sherloc (09022015). Collection method: clinical testing. Allele origin: germline.
Comment: This sequence change replaces valine, which is neutral and non-polar, with methionine, which is neutral and non-polar, at codon 257 of the FHL1 protein (p.Val257Met). This variant is present in population databases (rs190006104, gnomAD 0.006%). This variant has not been reported in the literature in individuals affected with FHL1-related conditions. ClinVar contains an entry for this variant (Variation ID: 569001). An algorithm developed to predict the effect of missense changes on protein structure and function (PolyPhen-2) suggests that this variant is likely to be tolerated. In summary, the available evidence is currently insufficient to determine the role of this variant in disease. Therefore, it has been classified as a Variant of Uncertain Significance.

Revvity Omics, Revvity
Classification: Uncertain significance. Last evaluated: 2024-12-16. Review status: criteria provided, single submitter. Criteria: ACMG Guidelines, 2015. Collection method: clinical testing. Allele origin: germline.

Ambry Genetics
Classification: Uncertain significance for Cardiovascular phenotype. Last evaluated: 2024-08-20. Review status: criteria provided, single submitter. Criteria: Ambry Variant Classification Scheme 2023. Collection method: clinical testing. Allele origin: germline.

PreventionGenetics, part of Exact Sciences
Classification: Uncertain significance for FHL1-related condition. Last evaluated: 2024-05-17. Review status: no assertion criteria provided. Collection method: clinical testing. Allele origin: germline. Not counted in ClinVar's aggregate classification.
Comment: The FHL1 c.817G>A variant is predicted to result in the amino acid substitution p.Val273Met. To our knowledge, this variant has not been reported in the literature. This variant is reported in 0.0053% of alleles in individuals of African descent in gnomAD. At this time, the clinical significance of this variant is uncertain due to the absence of conclusive functional and genetic evidence.